The following is an entry in ClinVar:

ClinVar aggregate classification (germline): Pathogenic. Review status: reviewed by expert panel (3 of 4 stars). 19 submissions from 19 submitters: Pathogenic (1). 18 of the submissions do not count toward it. Last evaluated 2015-08-10.

Conditions:
Pancreatic cancer, susceptibility to, 2. Identifiers: Orphanet 1333, MedGen C3150546, MONDO:0013235, OMIM 613347.
Glioma susceptibility 3 (GLM3). Also called: Glioblastoma 3. Identifiers: Orphanet 182067, Orphanet 360, MedGen C2751641, MONDO:0013093, OMIM 613029.
Familial prostate cancer. Also called: Hereditary Prostate Cancer. Identifiers: MedGen C2931456, MONDO:0700275, OMIM 176807.
Breast-ovarian cancer, familial, susceptibility to, 2 (BROVCA2). Also called: BRCA2 Hereditary Breast and Ovarian Cancer. Identifiers: Orphanet 145, MedGen C2675520, MONDO:0012933, OMIM 612555. Disease mechanism: loss of function.
Fanconi anemia complementation group D1. Also called: BRCA2-Related Fanconi Anemia. Identifiers: Orphanet 319462, MedGen C1838457, MONDO:0011584, OMIM 605724.
Medulloblastoma (MDB). Also called: Medulloblastoma, somatic; MEDULLOBLASTOMA PREDISPOSITION SYNDROME. Identifiers: Orphanet 616, MedGen C0025149, MeSH D008527, MONDO:0007959, OMIM 155255, HP:0002885.
Wilms tumor 1 (WT1). Also called: Wilms tumor, somatic. Identifiers: Orphanet 654, MedGen CN033288, MONDO:0008679, OMIM 194070.
Familial cancer of breast. Also called: BREAST CANCER, FAMILIAL; hereditary breast carcinoma; Hereditary breast cancer. Identifiers: Orphanet 227535, MedGen C0346153, MONDO:0016419, OMIM 114480. Disease mechanism: loss of function.
Hereditary cancer-predisposing syndrome. Also called: Neoplastic Syndromes, Hereditary; Tumor predisposition; Hereditary Cancer Syndrome; Hereditary neoplastic syndrome. Identifiers: Orphanet 140162, MedGen C0027672, MeSH D009386, MONDO:0015356.
Hereditary breast ovarian cancer syndrome. Also called: Breast and ovarian cancer; Hereditary breast and ovarian cancer; Hereditary breast and ovarian cancer syndrome (HBOC); Hereditary breast and ovarian cancer syndrome; BRCA1- and BRCA2-Associated Hereditary Breast and Ovarian Cancer; Hereditary breast and/or ovarian cancer syndrome. Identifiers: Orphanet 145, MedGen C0677776, MeSH D061325, MONDO:0003582. Disease mechanism: loss of function.

Allele frequency attached by ClinVar (database versions not stated): TOPMed below 0.00001.

Submissions 1 to 8 of 19:

Evidence-based Network for the Interpretation of Germline Mutant Alleles (ENIGMA)
Classification: Pathogenic for Breast-ovarian cancer, familial 2. Last evaluated: 2015-08-10. Review status: reviewed by expert panel. Criteria: ENIGMA BRCA1/2 Classification Criteria (2015). Collection method: curation. Allele origin: germline.
Comment: IARC class based on posterior probability from multifactorial likelihood analysis, thresholds for class as per Plon et al. 2008 (PMID: 18951446). Class 5 based on posterior probability = 1

Labcorp Genetics (formerly Invitae), Labcorp
Classification: Pathogenic for Hereditary breast ovarian cancer syndrome. Last evaluated: 2025-12-31. Review status: criteria provided, single submitter. Criteria: Invitae Variant Classification Sherloc (09022015). Collection method: clinical testing. Allele origin: germline. Not counted in ClinVar's aggregate classification.
Comment: This sequence change affects an acceptor splice site in intron 15 of the BRCA2 gene. RNA analysis indicates that disruption of this splice site induces altered splicing and may result in an absent or altered protein product. This variant is not present in population databases (gnomAD no frequency). Disruption of this splice site has been observed in individual(s) with breast cancer and peritoneal carcinoma (PMID: 21394826, 22006311, 26681312). This variant is also known as c.7846-1G>A and IVS15-1G>A. ClinVar contains an entry for this variant (Variation ID: 38110). Based on a multifactorial likelihood algorithm using genetic, in silico, and/or statistical data, this variant has been determined to have a high probability of being pathogenic (PMID: 17924331, 21394826, 21990134). Studies have shown that disruption of this splice site results in activation of a cryptic splice site, and produces a non-functional protein and/or introduces a premature termination codon (PMID: 21394826, 22006311; internal data). For these reasons, this variant has been classified as Pathogenic.

Quest Diagnostics Nichols Institute San Juan Capistrano
Classification: Pathogenic. Last evaluated: 2025-09-18. Review status: criteria provided, single submitter. Criteria: Quest Diagnostics criteria. Collection method: clinical testing. Allele origin: unknown. Not counted in ClinVar's aggregate classification.
Comment: The BRCA2 c.7618-1G>A variant disrupts a canonical splice-acceptor site and interferes with normal BRCA2 mRNA splicing. This variant has been reported in the published literature in individuals and families with breast and/or ovarian cancer (PMIDs: 12097290 (2002), 21394826 (2011), 26681312 (2015), 35451682 (2022), 37719058 (2023)), pancreatic cancer (PMID: 12097290 (2002)), and peritoneal cancer (PMID: 22006311 (2011)). Functional studies of this variant show abnormal splicing that results in a disrupted protein product (PMIDs: 21394826 (2011), 29881398 (2018), 32398771 (2020)). This variant has not been reported in large, multi-ethnic general populations (Genome Aggregation Database). Based on the available information, this variant is classified as pathogenic.

Ambry Genetics
Classification: Pathogenic for Hereditary cancer-predisposing syndrome. Last evaluated: 2025-05-16. Review status: criteria provided, single submitter. Criteria: Ambry Variant Classification Scheme 2023. Collection method: clinical testing. Allele origin: germline. Not counted in ClinVar's aggregate classification.
Comment: The c.7618-1G>A intronic pathogenic mutation results from a G to A substitution one nucleotide before coding exon 15 in the BRCA2 gene. This variant has been reported in multiple individuals with hereditary breast and/or ovarian cancer (Whiley PJ et al. Hum. Mutat. 2011 Jun;32:678-87; Rebbeck TR et al. Hum. Mutat. 2018 05;39(5):593-620; Walsh T et al. Proc. Natl. Acad. Sci. U.S.A. 2011 Nov;108:18032-7). RNA and minigene assays have shown that this alteration results in a majority of transcript lacking 45bp from coding exon 14 (Ambry internal data; Whiley PJ et al. Hum. Mutat. 2011 Jun;32:678-87; Fraile-Bethencourt et al. Front Genet 2018 May;9:188). Of note, this alteration is also designated as IVS15-1G>A in published literature. This variant is considered to be rare based on population cohorts in the Genome Aggregation Database (gnomAD). In addition to the clinical data presented in the literature, alterations that disrupt the canonical splice site are expected to cause aberrant splicing, resulting in an abnormal protein or a transcript that is subject to nonsense-mediated mRNA decay. As such, this alteration is classified as a disease-causing mutation.

ARUP Laboratories, Molecular Genetics and Genomics, ARUP Laboratories
Classification: Pathogenic. Last evaluated: 2025-04-30. Review status: criteria provided, single submitter. Criteria: ARUP Molecular Germline Variant Investigation Process 2024. Collection method: clinical testing. Allele origin: germline. Not counted in ClinVar's aggregate classification.
Comment: The BRCA2 c.7618-1G>A variant (rs397507389, ClinVar Variation ID: 38110), also known as c.7846-1G>A, is reported in individuals affected with breast cancer (Susswein 2016, Tung 2016, Whiley 2011), and in an individual with peritoneal carcinoma (Walsh 2011). This variant is absent from the Genome Aggregation Database (v2.1.1), indicating it is not a common polymorphism. This variant disrupts the canonical acceptor splice site of intron 15, leading to altered mRNA splicing (Walsh 2011, Whiley 2011). Based on available information, this variant is considered to be pathogenic. References: Susswein LR et al. Pathogenic and likely pathogenic variant prevalence among the first 10,000 patients referred for next-generation cancer panel testing. Genet Med. 2016 Aug;18(8):823-32. PMID: 26681312 Tung N et al. Frequency of Germline Mutations in 25 Cancer Susceptibility Genes in a Sequential Series of Patients With Breast Cancer. Frequency of Germline Mutations in 25 Cancer Susceptibility Genes in a Sequential Series of Patients With Breast Cancer. J Clin Oncol. 2016 May 1;34(13):1460-8. PMID: 26976419 Walsh T et al. Mutations in 12 genes for inherited ovarian, fallopian tube, and peritoneal carcinoma identified by massively parallel sequencing. Proc Natl Acad Sci U S A. 2011 Nov 1;108(44):18032-7. PMID: 22006311 Whiley PJ et al. Splicing and multifactorial analysis of intronic BRCA1 and BRCA2 sequence variants identifies clinically significant splicing aberrations up to 12 nucleotides from the intron/exon boundary. Hum Mutat. 2011 Jun;32(6):678-87. PMID: 21394826

Mayo Clinic Laboratories, Mayo Clinic
Classification: Pathogenic. Last evaluated: 2024-06-25. Review status: criteria provided, single submitter. Criteria: ACMG Guidelines, 2015. Collection method: clinical testing. Allele origin: germline. Observed: 1 variant allele. Not counted in ClinVar's aggregate classification.
Comment: PP4_strong, PM2, PVS1

Fulgent Genetics
Classification: Pathogenic for Familial cancer of breast; Medulloblastoma; Familial prostate cancer; Wilms tumor 1; Fanconi anemia complementation group D1; Breast-ovarian cancer, familial, susceptibility to, 2; Glioma susceptibility 3; Pancreatic cancer, susceptibility to, 2. Last evaluated: 2024-04-13. Review status: criteria provided, single submitter. Criteria: ACMG Guidelines, 2015. Collection method: clinical testing. Allele origin: germline. Not counted in ClinVar's aggregate classification.

Baylor Genetics
Classification: Pathogenic for Familial cancer of breast. Last evaluated: 2024-03-10. Review status: criteria provided, single submitter. Criteria: ACMG Guidelines, 2015. Collection method: clinical testing. Allele origin: unknown. Not counted in ClinVar's aggregate classification.

NM_000059.4(BRCA2):c.7618-1G>A

Gene: BRCA2 (BRCA2 DNA repair associated; plus strand). Cytogenetic location: 13q13.1.
Variant type: single nucleotide variant.
Coding change: c.7618-1G>A on transcript NM_000059.4 (MANE Select); the canonical splice acceptor site of the intron before coding-DNA position 7618, G replaced by A.
Molecular consequence: splice acceptor variant.
Genome position (GRCh38, 1-based): chr13:32,357,741, G>A. VCF-style: chr13-32357741-G-A. GRCh37 (hg19) VCF-style: chr13-32931878-G-A.
Other names: IVS15-1G>A; c.7618-1G>A (NM_001406720.1); c.7522-1G>A (NM_001406719.1); c.2686-1G>A (NM_001406721.1); c.1201-1G>A (NM_001406722.1).
Identifiers: ClinVar variation 38110 (VCV000038110.45), dbSNP rs397507389, ClinGen allele CA025188.